The following is an entry in ClinVar:

ClinVar aggregate classification (germline): Uncertain significance. Review status: criteria provided, multiple submitters, no conflicts (2 of 4 stars). 2 submissions from 2 submitters: Uncertain significance (2). Last evaluated 2025-09-10.

Conditions:
Inborn genetic diseases. Identifiers: MedGen C0950123, MeSH D030342.

Allele frequency attached by ClinVar (database versions not stated): gnomAD exomes 0.00005 and 0.00002; gnomAD 0.00011 and 0.00013; TOPMed 0.00012; ExAC 0.00002.
gnomAD v4.1: 42 of 1,613,800 alleles (0.0026%); highest among the groups gnomAD compares: Admixed American, 0.067%; no homozygotes.

Submissions (2):

Ambry Genetics
Classification: Uncertain significance for Inborn genetic diseases. Last evaluated: 2025-09-10. Review status: criteria provided, single submitter. Criteria: Ambry Variant Classification Scheme 2023. Collection method: clinical testing. Allele origin: germline.

Labcorp Genetics (formerly Invitae), Labcorp
Classification: Uncertain significance. Last evaluated: 2022-07-18. Review status: criteria provided, single submitter. Criteria: Invitae Variant Classification Sherloc (09022015). Collection method: clinical testing. Allele origin: germline.
Comment: This sequence change replaces isoleucine, which is neutral and non-polar, with valine, which is neutral and non-polar, at codon 2029 of the PCLO protein (p.Ile2029Val). This variant is present in population databases (rs777418674, gnomAD 0.04%). This variant has not been reported in the literature in individuals affected with PCLO-related conditions. ClinVar contains an entry for this variant (Variation ID: 1477401). Algorithms developed to predict the effect of missense changes on protein structure and function output the following: SIFT: "Tolerated"; PolyPhen-2: "Not Available"; Align-GVGD: "Class C0". The valine amino acid residue is found in multiple mammalian species, which suggests that this missense change does not adversely affect protein function. In summary, the available evidence is currently insufficient to determine the role of this variant in disease. Therefore, it has been classified as a Variant of Uncertain Significance.

NM_033026.6(PCLO):c.6085A>G (p.Ile2029Val)

Gene: PCLO (piccolo presynaptic cytomatrix protein; minus strand). Cytogenetic location: 7q21.11.
Variant type: single nucleotide variant.
Coding change: c.6085A>G on transcript NM_033026.6 (MANE Select); coding-DNA position 6085, A replaced by G.
Protein change: p.Ile2029Val; replaces isoleucine 2029 with valine.
Molecular consequence: missense variant.
Genome position (GRCh38, 1-based): chr7:82,954,868, T>C on the plus strand (A>G on the coding strand, the complement: PCLO is on the minus strand). VCF-style: chr7-82954868-T-C. GRCh37 (hg19) VCF-style: chr7-82584184-T-C.
Other names: c.6085A>G, p.Ile2029Val (NM_014510.3); c.6085A>G (NM_033026.5); short protein forms I2029V.
Identifiers: ClinVar variation 1477401 (VCV001477401.4), dbSNP rs777418674, ClinGen allele CA4320535.